The following is an entry in ClinVar:

NM_002227.4(JAK1):c.2744G>C (p.Gly915Ala)

Gene: JAK1 (Janus kinase 1; minus strand). Cytogenetic location: 1p31.3.
Variant type: single nucleotide variant.
Coding change: c.2744G>C on transcript NM_002227.4 (MANE Select); coding-DNA position 2744, G replaced by C.
Protein change: p.Gly915Ala; replaces glycine 915 with alanine.
Molecular consequence: missense variant.
Genome position (GRCh38, 1-based): chr1:64,839,701, C>G on the plus strand (G>C on the coding strand, the complement: JAK1 is on the minus strand). VCF-style: chr1-64839701-C-G. GRCh37 (hg19) VCF-style: chr1-65305384-C-G.
Other names: c.2744G>C, p.Gly915Ala (NM_001320923.2, NM_001321852.2, NM_001321853.2 and 3 more transcripts); c.2741G>C, p.Gly914Ala (NM_001321857.2); short protein forms G914A, G915A.
Identifiers: ClinVar variation 3719164 (VCV003719164.2).
Genomic context (GRCh38, chr1:64,839,701, plus strand): 5'-TCATGATAGAGGTTCCTTAAGATCTCGATTTCCTTTTTCAGATCAGCTATGTGGTTACCT[C>G]CACTCTCAGGCTTCAGAGATTTAACAGCCACCTGCTCCCCTGTATTGTCCCCTTCGGGGT-3'
Protein context (NP_002218.2, residues 905-925): VAVKSLKPES[Gly915Ala]GNHIADLKKE

ClinVar aggregate classification (germline): Uncertain significance (1 of 4 stars; one submission).

Submission:

Labcorp Genetics (formerly Invitae), Labcorp
Classification: Uncertain significance. Last evaluated: 2024-10-02. Review status: criteria provided, single submitter. Criteria: Invitae Variant Classification Sherloc (09022015). Collection method: clinical testing. Allele origin: germline.
Comment: This sequence change replaces glycine, which is neutral and non-polar, with alanine, which is neutral and non-polar, at codon 915 of the JAK1 protein (p.Gly915Ala). This variant is not present in population databases (gnomAD no frequency). This variant has not been reported in the literature in individuals affected with JAK1-related conditions. Invitae Evidence Modeling of protein sequence and biophysical properties (such as structural, functional, and spatial information, amino acid conservation, physicochemical variation, residue mobility, and thermodynamic stability) indicates that this missense variant is not expected to disrupt JAK1 protein function with a negative predictive value of 80%. In summary, the available evidence is currently insufficient to determine the role of this variant in disease. Therefore, it has been classified as a Variant of Uncertain Significance.